The following is an entry in ClinVar:

NM_022841.7(RFX7):c.1465C>G (p.Leu489Val)

Gene: RFX7 (regulatory factor X7; minus strand). Cytogenetic location: 15q21.3.
Variant type: single nucleotide variant.
Coding change: c.1465C>G on transcript NM_022841.7 (MANE Select); coding-DNA position 1465, C replaced by G.
Protein change: p.Leu489Val; replaces leucine 489 with valine.
Molecular consequence: missense variant.
Genome position (GRCh38, 1-based): chr15:56,096,263, G>C on the plus strand (C>G on the coding strand, the complement: RFX7 is on the minus strand). VCF-style: chr15-56096263-G-C. GRCh37 (hg19) VCF-style: chr15-56388461-G-C.
Other names: c.1174C>G, p.Leu392Val (NM_001368073.2, NM_001368074.1, NM_001370554.1); c.1465C>G, p.Leu489Val (NM_001370561.1); short protein forms L392V, L489V.
Identifiers: ClinVar variation 2501523 (VCV002501523.1), dbSNP rs2504990823, ClinGen allele CA392583333.
Genomic context (GRCh38, chr15:56,096,263, plus strand): 5'-GAACACTCCTTGATTCTTCTGTTGTTCCTGTAGCACTGCTGACTGAGGCAGAATGTTTAA[G>C]AGGGGTGTTACTGTTGCTGGGTGTGAGGGATATTGTTGTCATTTTCACCACATTTAGAGA-3'
Protein context (NP_073752.6, residues 479-499): SLTPSNSNTP[Leu489Val]KHSASVSSAT

ClinVar aggregate classification (germline): Uncertain significance (1 of 4 stars; one submission).

Allele frequency attached by ClinVar (database versions not stated): gnomAD exomes below 0.00001.
gnomAD v4.1: 3 of 1,613,996 alleles (0.00019%); highest among the groups gnomAD compares: Non-Finnish European, 0.00025%; no homozygotes.

Submission:

GeneDx
Classification: Uncertain significance. Last evaluated: 2022-11-07. Review status: criteria provided, single submitter. Criteria: GeneDx Variant Classification Process June 2021. Collection method: clinical testing. Allele origin: germline. Affected: yes.
Comment: Not observed at significant frequency in large population cohorts (gnomAD); In silico analysis supports that this missense variant does not alter protein structure/function; Has not been previously published as pathogenic or benign to our knowledge